The following is an entry in ClinVar:

ClinVar aggregate classification (germline): Pathogenic (1 of 4 stars; one submission).

Conditions:
Polycystic kidney disease, adult type (PKD1). Also called: Polycystic Kidney, Autosomal Dominant; Polycystic Kidney Disease 1, Autosomal Dominant; Polycystic kidney disease 1; Polycystic kidney disease 1, severe; POLYCYSTIC KIDNEY DISEASE, ADULT, TYPE I; POLYCYSTIC KIDNEY DISEASE 1 WITH OR WITHOUT POLYCYSTIC LIVER DISEASE. Identifiers: MedGen C3149841, MONDO:0008263, OMIM 173900.

Submission:

Juno Genomics, Hangzhou Juno Genomics, Inc
Classification: Pathogenic for Polycystic kidney disease, adult type. Review status: criteria provided, single submitter. Criteria: ACMG Guidelines, 2015. Collection method: clinical testing. Allele origin: germline. Affected: yes.
Comment: Absent from controls (or at extremely low frequency if recessive) in Genome Aggregation Database.;Null variant in a gene where loss of function (LOF) is a known mechanism of disease.;The prevalence of the variant in affected individuals is significantly increased compared to the prevalence in controls.;Patient's phenotype or family history is highly specific for a disease with a single genetic etiology.

NM_001009944.3(PKD1):c.9789G>A (p.Trp3263Ter)

Gene: PKD1 (polycystin 1, transient receptor potential channel interacting; minus strand). Cytogenetic location: 16p13.3.
Variant type: single nucleotide variant.
Coding change: c.9789G>A on transcript NM_001009944.3 (MANE Select); coding-DNA position 9789, G replaced by A.
Protein change: p.Trp3263Ter; replaces tryptophan 3263 with a stop codon.
Molecular consequence: nonsense.
Genome position (GRCh38, 1-based): chr16:2,099,995, C>T on the plus strand (G>A on the coding strand, the complement: PKD1 is on the minus strand). VCF-style: chr16-2099995-C-T. GRCh37 (hg19) VCF-style: chr16-2149996-C-T.
Other names: c.9789G>A, p.Trp3263Ter (NM_000296.4); short protein forms W3263*.
Identifiers: ClinVar variation 5007644 (VCV005007644.1).